The following is an entry in ClinVar:

ClinVar aggregate classification (germline): Uncertain significance. Review status: criteria provided, multiple submitters, no conflicts (2 of 4 stars). 2 submissions from 2 submitters: Uncertain significance (2). Last evaluated 2025-06-12.

Conditions:
Early-infantile DEE. Also called: Ohtahara syndrome; Early infantile epileptic encephalopathy; Early infantile epileptic encephalopathy with suppression bursts. Identifiers: Orphanet 1934, MedGen C0393706, MONDO:0800491.

Submissions (2):

GeneDx
Classification: Uncertain significance. Last evaluated: 2025-06-12. Review status: criteria provided, single submitter. Criteria: GeneDx Variant Classification Process June 2021. Collection method: clinical testing. Allele origin: germline. Affected: yes.
Comment: Not observed at significant frequency in large population cohorts (gnomAD); Has not been previously published as pathogenic or benign to our knowledge; In silico analysis is inconclusive as to whether the variant alters gene splicing. In the absence of RNA/functional studies, the actual effect of this sequence change is unknown.

Labcorp Genetics (formerly Invitae), Labcorp
Classification: Uncertain significance for Early-infantile DEE. Last evaluated: 2024-04-19. Review status: criteria provided, single submitter. Criteria: Invitae Variant Classification Sherloc (09022015). Collection method: clinical testing. Allele origin: germline.
Comment: This sequence change falls in intron 7 of the SCN1A gene. It does not directly change the encoded amino acid sequence of the SCN1A protein. It affects a nucleotide within the consensus splice site. This variant is not present in population databases (gnomAD no frequency). This variant has not been reported in the literature in individuals affected with SCN1A-related conditions. Variants that disrupt the consensus splice site are a relatively common cause of aberrant splicing (PMID: 17576681, 9536098). Algorithms developed to predict the effect of sequence changes on RNA splicing suggest that this variant may disrupt the consensus splice site. In summary, the available evidence is currently insufficient to determine the role of this variant in disease. Therefore, it has been classified as a Variant of Uncertain Significance.

Literature cited by the submitters: PubMed 17576681 (cited by Labcorp Genetics (formerly Invitae), Labcorp); PubMed 9536098 (cited by Labcorp Genetics (formerly Invitae), Labcorp).

NM_001165963.4(SCN1A):c.1029-3C>T

Gene: SCN1A (sodium voltage-gated channel alpha subunit 1; minus strand). Cytogenetic location: 2q24.3.
Variant type: single nucleotide variant.
Coding change: c.1029-3C>T on transcript NM_001165963.4 (MANE Select); 3 bases into the intron before coding-DNA position 1029, C replaced by T.
Molecular consequence: intron variant.
Genome position (GRCh38, 1-based): chr2:166,047,771, G>A on the plus strand (C>T on the coding strand, the complement: SCN1A is on the minus strand). VCF-style: chr2-166047771-G-A. GRCh37 (hg19) VCF-style: chr2-166904281-G-A.
Other names: c.1029-3C>T (NM_001353949.2, NM_001353958.2, NM_001353950.2 and 10 more transcripts); c.-1397-3C>T (NM_001353961.2).
Identifiers: ClinVar variation 2757945 (VCV002757945.4), dbSNP rs2468190781, ClinGen allele CA2697551266.